The following is an entry in ClinVar:

ClinVar aggregate classification (germline): Uncertain significance (1 of 4 stars; one submission).

Conditions:
HERC2-related disorder. Also called: HERC2-related condition.

gnomAD v4.1: 2 of 1,598,522 alleles (0.00013%); highest among the groups gnomAD compares: East Asian, 0.0045%; no homozygotes.

Submission:

PreventionGenetics, part of Exact Sciences
Classification: Uncertain significance for HERC2-related condition. Last evaluated: 2025-11-07. Review status: criteria provided, single submitter. Criteria: ACMG Guidelines, 2015. Collection method: clinical testing. Allele origin: germline.
Comment: The HERC2 c.2582T>G variant is predicted to result in the amino acid substitution p.Leu861Arg. To our knowledge, this variant has not been reported in the literature. This variant is reported in 0.020% of alleles in individuals of East Asian descent in gnomAD. At this time, the clinical significance of this variant is uncertain due to the absence of conclusive functional and genetic evidence.

NM_004667.6(HERC2):c.2582T>G (p.Leu861Arg)

Gene: HERC2 (HECT and RLD domain containing E3 ubiquitin protein ligase 2; minus strand). Cytogenetic location: 15q13.1.
Variant type: single nucleotide variant.
Coding change: c.2582T>G on transcript NM_004667.6 (MANE Select); coding-DNA position 2582, T replaced by G.
Protein change: p.Leu861Arg; replaces leucine 861 with arginine.
Molecular consequence: missense variant.
Genome position (GRCh38, 1-based): chr15:28,256,253, A>C on the plus strand (T>G on the coding strand, the complement: HERC2 is on the minus strand). VCF-style: chr15-28256253-A-C. GRCh37 (hg19) VCF-style: chr15-28501399-A-C.
Other names: short protein forms L861R.
Identifiers: ClinVar variation 4980754 (VCV004980754.1).